The following is an entry in ClinVar:

ClinVar aggregate classification (germline): Uncertain significance. Review status: criteria provided, multiple submitters, no conflicts (2 of 4 stars). 7 submissions from 7 submitters: Uncertain significance (6). 1 of the submissions does not count toward it. Last evaluated 2024-04-25.

Conditions:
Congenital anomaly of kidney and urinary tract. Also called: Congenital anomalies of kidney and urinary tract; Congenital anomalies of the kidney and urinary tract. Identifiers: Orphanet 93545, MedGen C1968949, MeSH C566906, MONDO:0019719.
Van Maldergem syndrome 2 (VMLDS2). Identifiers: Orphanet 314679, MedGen C3809875, MONDO:0014242, OMIM 615546.
Hennekam lymphangiectasia-lymphedema syndrome 2 (HKLLS2). Identifiers: Orphanet 2136, MedGen C4014939, MONDO:0014454, OMIM 616006.

Allele frequency attached by ClinVar (database versions not stated): gnomAD 0.00001; gnomAD exomes 0.00002 and 0.00003; TOPMed 0.00003; ExAC 0.00005.
gnomAD v4.1: 35 of 1,613,950 alleles (0.0022%); highest among the groups gnomAD compares: Admixed American, 0.0067%; no homozygotes.

Submissions (7):

Blueprint Genetics
Classification: Uncertain significance. Last evaluated: 2024-04-25. Review status: criteria provided, single submitter. Criteria: ACMG Guidelines, 2015. Collection method: clinical testing. Allele origin: germline.

Fulgent Genetics
Classification: Uncertain significance for Van Maldergem syndrome 2; Hennekam lymphangiectasia-lymphedema syndrome 2. Last evaluated: 2023-12-26. Review status: criteria provided, single submitter. Criteria: ACMG Guidelines, 2015. Collection method: clinical testing. Allele origin: germline.

Labcorp Genetics (formerly Invitae), Labcorp
Classification: Uncertain significance. Last evaluated: 2022-08-31. Review status: criteria provided, single submitter. Criteria: Invitae Variant Classification Sherloc (09022015). Collection method: clinical testing. Allele origin: germline.
Comment: This sequence change replaces glutamine, which is neutral and polar, with histidine, which is basic and polar, at codon 3091 of the FAT4 protein (p.Gln3091His). This variant is present in population databases (rs769424345, gnomAD 0.007%). This missense change has been observed in individual(s) with clinical features of FAT4-related conditions (PMID: 28878612). This variant is also known as c.9279A>C (p.Gln3093His). ClinVar contains an entry for this variant (Variation ID: 813916). Advanced modeling of protein sequence and biophysical properties (such as structural, functional, and spatial information, amino acid conservation, physicochemical variation, residue mobility, and thermodynamic stability) performed at Invitae indicates that this missense variant is not expected to disrupt FAT4 protein function. Algorithms developed to predict the effect of sequence changes on RNA splicing suggest that this variant may create or strengthen a splice site. In summary, the available evidence is currently insufficient to determine the role of this variant in disease. Therefore, it has been classified as a Variant of Uncertain Significance.

Laboratorio de Genetica e Diagnostico Molecular, Hospital Israelita Albert Einstein
Classification: Uncertain significance. Last evaluated: 2021-08-31. Review status: criteria provided, single submitter. Criteria: ACMG Guidelines, 2015. Collection method: clinical testing. Allele origin: germline. Affected: yes.
Comment: ACMG classification criteria: PM2, BP4

GeneDx
Classification: Uncertain significance. Last evaluated: 2020-11-18. Review status: criteria provided, single submitter. Criteria: GeneDx Variant Classification Process June 2021. Collection method: clinical testing. Allele origin: germline. Affected: yes.
Comment: Not observed at a significant frequency in large population cohorts (Lek et al., 2016); In silico analysis supports that this missense variant does not alter protein structure/function; This variant is associated with the following publications: (PMID: 28878612, 30143558)

Broad Center for Mendelian Genomics, Broad Institute of MIT and Harvard
Classification: Uncertain significance for Van Maldergem syndrome 2. Last evaluated: 2018-12-03. Review status: criteria provided, single submitter. Criteria: ACMG Guidelines, 2015. Collection method: research. Allele origin: germline. Inheritance: Autosomal recessive inheritance. Affected: yes.
Comment: The p.Gln3091His variant in FAT4 has not been previously reported in individuals with Van Maldergem syndrome and has been identified in 0.007244% (8/110442) of European (non-Finnish) chromosomes and 0.002980% (1/33552) of Latino chromosomes by the Genome Aggregation Database (gnomAD; dbSNP rs769424345). Although this variant has been seen in the general population, its frequency is low enough to be consistent with a recessive carrier frequency. Computational prediction tools and conservation analyses suggest that this variant may not impact the protein, though this information is not predictive enough to rule out pathogenicity. In summary, the clinical significance of the p.Gln3091His variant is uncertain. ACMG/AMP Criteria applied: PM2, BP4 (Richards 2015).

Yale Center for Mendelian Genomics, Yale University
Classification: Likely pathogenic for Congenital anomaly of kidney and urinary tract. Last evaluated: 2018-08-24. Review status: no assertion criteria provided. Collection method: literature only. Allele origin: germline. Affected: yes. Observed: 1 compound heterozygote. Study: Yale Center for Mendelian Genomics. Not counted in ClinVar's aggregate classification.

Literature cited by the submitters: PubMed 28878612 (cited by Labcorp Genetics (formerly Invitae), Labcorp); PubMed 30143558 (cited by Yale Center for Mendelian Genomics, Yale University).

NM_001291303.3(FAT4):c.9279A>C (p.Gln3093His)

Gene: FAT4 (FAT atypical cadherin 4; plus strand). Cytogenetic location: 4q28.1.
Variant type: single nucleotide variant.
Coding change: c.9279A>C on transcript NM_001291303.3 (MANE Select); coding-DNA position 9279, A replaced by C.
Protein change: p.Gln3093His; replaces glutamine 3093 with histidine.
Molecular consequence: missense variant.
Genome position (GRCh38, 1-based): chr4:125,450,289, A>C. VCF-style: chr4-125450289-A-C. GRCh37 (hg19) VCF-style: chr4-126371444-A-C.
Other names: c.9279A>C, p.Gln3093His (NM_001291285.3); c.9273A>C, p.Gln3091His (NM_024582.6); c.9273A>C (NM_024582.5); short protein forms Q3091H, Q3093H.
Identifiers: ClinVar variation 813916 (VCV000813916.9), dbSNP rs769424345, ClinGen allele CA3073497.
Genomic context (GRCh38, chr4:125,450,289, plus strand): 5'-CCAAGCAACTGTTCACATAACTGTCACTGAGGAAAACTACCATACACCTGAATTCTCTCA[A>C]AGCCACATGAGTGCAACCATCCCTGAGAGCCATAGCATTGGGTCCATTGTCAGAACTGTT-3'
Protein context (NP_001278232.1, residues 3083-3103): EENYHTPEFS[Gln3093His]SHMSATIPES